The following is an entry in ClinVar:

ClinVar aggregate classification (germline): Uncertain significance (1 of 4 stars; one submission).

Conditions:
TECTA-related disorder. Also called: TECTA-related condition.

Submission:

PreventionGenetics, part of Exact Sciences
Classification: Uncertain significance for TECTA-related condition. Last evaluated: 2025-11-17. Review status: criteria provided, single submitter. Criteria: ACMG Guidelines, 2015. Collection method: clinical testing. Allele origin: germline.
Comment: The TECTA c.3251T>C variant is predicted to result in the amino acid substitution p.Met1084Thr. To our knowledge, this variant has not been reported in the literature. This variant is reported in 0.00088% of alleles in individuals of European (Non-Finnish) descent in gnomAD. At this time, the clinical significance of this variant is uncertain due to the absence of conclusive functional and genetic evidence.

NM_005422.4(TECTA):c.3251T>C (p.Met1084Thr)

Genes: TBCEL-TECTA (TBCEL-TECTA readthrough; plus strand), TECTA (tectorin alpha; plus strand). Cytogenetic location: 11q23.3.
Variant type: single nucleotide variant.
Coding change: c.3251T>C on transcript NM_005422.4 (MANE Select); coding-DNA position 3251, T replaced by C.
Protein change: p.Met1084Thr; replaces methionine 1084 with threonine.
Molecular consequence: missense variant.
Genome position (GRCh38, 1-based): chr11:121,137,730, T>C. VCF-style: chr11-121137730-T-C. GRCh37 (hg19) VCF-style: chr11-121008439-T-C.
Other names: c.4208T>C, p.Met1403Thr (NM_001378761.1); short protein forms M1084T, M1403T.
Identifiers: ClinVar variation 4987768 (VCV004987768.1).
Genomic context (GRCh38, chr11:121,137,730, plus strand): 5'-GTGGCACAGACAACAGGGTCCACTGCGAGACCATTCCCTGCAAGGATGATGAGTACTGCA[T>C]GGAGGAAGGTGGCCTGTACTACTGCCAAGCCCGCACCGACGCCTCCTGCATCGTCTCAGG-3'
Protein context (NP_005413.2, residues 1074-1094): TIPCKDDEYC[Met1084Thr]EEGGLYYCQA